The following is an entry in ClinVar:

ClinVar aggregate classification (germline): Uncertain significance. Review status: criteria provided, multiple submitters, no conflicts (2 of 4 stars). 2 submissions from 2 submitters: Uncertain significance (2). Last evaluated 2024-01-03.

Conditions:
Hereditary cancer-predisposing syndrome. Also called: Hereditary Cancer Syndrome; Neoplastic Syndromes, Hereditary; Tumor predisposition; Hereditary neoplastic syndrome. Identifiers: Orphanet 140162, MedGen C0027672, MeSH D009386, MONDO:0015356.
Cardiovascular phenotype. Identifiers: MedGen CN230736.

Submissions (2):

Ambry Genetics
Classification: Uncertain significance for Cardiovascular phenotype; Hereditary cancer-predisposing syndrome. Last evaluated: 2024-01-03. Review status: criteria provided, single submitter. Criteria: Ambry Variant Classification Scheme 2023. Collection method: clinical testing. Allele origin: germline.

Labcorp Genetics (formerly Invitae), Labcorp
Classification: Uncertain significance. Last evaluated: 2023-12-19. Review status: criteria provided, single submitter. Criteria: Invitae Variant Classification Sherloc (09022015). Collection method: clinical testing. Allele origin: germline.
Comment: This sequence change replaces glutamic acid, which is acidic and polar, with glutamine, which is neutral and polar, at codon 522 of the LZTR1 protein (p.Glu522Gln). This variant is not present in population databases (gnomAD no frequency). This variant has not been reported in the literature in individuals affected with LZTR1-related conditions. Advanced modeling of protein sequence and biophysical properties (such as structural, functional, and spatial information, amino acid conservation, physicochemical variation, residue mobility, and thermodynamic stability) performed at Invitae indicates that this missense variant is not expected to disrupt LZTR1 protein function with a negative predictive value of 80%. In summary, the available evidence is currently insufficient to determine the role of this variant in disease. Therefore, it has been classified as a Variant of Uncertain Significance.

NM_006767.4(LZTR1):c.1564G>C (p.Glu522Gln)

Gene: LZTR1 (leucine zipper like post translational regulator 1; plus strand). Cytogenetic location: 22q11.21.
Variant type: single nucleotide variant.
Coding change: c.1564G>C on transcript NM_006767.4 (MANE Select); coding-DNA position 1564, G replaced by C.
Protein change: p.Glu522Gln; replaces glutamic acid 522 with glutamine.
Molecular consequence: missense variant.
Genome position (GRCh38, 1-based): chr22:20,994,218, G>C. VCF-style: chr22-20994218-G-C. GRCh37 (hg19) VCF-style: chr22-21348507-G-C.
Other names: c.1564G>C (NM_006767.3); short protein forms E522Q.
Identifiers: ClinVar variation 3005508 (VCV003005508.4), dbSNP rs201159165, ClinGen allele CA410775999.
Genomic context (GRCh38, chr22:20,994,218, plus strand): 5'-GGTGGGGCCCGGCCGCCCCTGCTGCACGTGGCCATCCGGGAGGCCGAGGCCCGGCCCTTC[G>C]AGGTGCTCATGCAGTTCCTCTACACCGACAAGATCAAATACCCACGGAAAGGTCCGCCTG-3'
Protein context (NP_006758.2, residues 512-532): AIREAEARPF[Glu522Gln]VLMQFLYTDK